The following is an entry in ClinVar:

NM_001039591.3(USP9X):c.1881G>C (p.Met627Ile)

Gene: USP9X (ubiquitin specific peptidase 9 X-linked; plus strand). Cytogenetic location: Xp11.4.
Variant type: single nucleotide variant.
Coding change: c.1881G>C on transcript NM_001039591.3 (MANE Select); coding-DNA position 1881, G replaced by C.
Protein change: p.Met627Ile; replaces methionine 627 with isoleucine.
Molecular consequence: missense variant.
Genome position (GRCh38, 1-based): chrX:41,153,065, G>C. VCF-style: chrX-41153065-G-C. GRCh37 (hg19) VCF-style: chrX-41012318-G-C.
Other names: c.1881G>C, p.Met627Ile (NM_001039590.3); short protein forms M627I.
Identifiers: ClinVar variation 1678805 (VCV001678805.5), dbSNP rs201651879, ClinGen allele CA10388490.

ClinVar aggregate classification (germline): Conflicting classifications of pathogenicity. Review status: criteria provided, conflicting classifications (1 of 4 stars). 3 submissions from 3 submitters: Uncertain significance (2); Likely benign (1). Last evaluated 2025-03-05.

Conditions:
Inborn genetic diseases. Identifiers: MedGen C0950123, MeSH D030342.

Allele frequency attached by ClinVar (database versions not stated): gnomAD exomes 0.00002; TOPMed 0.00002; ExAC 0.00003; gnomAD 0.00005; ESP Exome Variant Server 0.00010.
gnomAD v4.1: 37 of 1,206,845 alleles (0.0031%); highest among the groups gnomAD compares: Non-Finnish European, 0.004%; no homozygotes.

Submissions (3):

Ambry Genetics
Classification: Uncertain significance for Inborn genetic diseases. Last evaluated: 2025-03-05. Review status: criteria provided, single submitter. Criteria: Ambry Variant Classification Scheme 2023. Collection method: clinical testing. Allele origin: germline.
Comment: Unlikely to be causative of USP9X-related neurodevelopmental disorder (XLD) Based on insufficient or conflicting evidence, the clinical significance of this alteration remains unclear.

Labcorp Genetics (formerly Invitae), Labcorp
Classification: Uncertain significance. Last evaluated: 2024-10-31. Review status: criteria provided, single submitter. Criteria: Invitae Variant Classification Sherloc (09022015). Collection method: clinical testing. Allele origin: germline.
Comment: This sequence change replaces methionine, which is neutral and non-polar, with isoleucine, which is neutral and non-polar, at codon 627 of the USP9X protein (p.Met627Ile). This variant is present in population databases (rs201651879, gnomAD 0.008%), including at least one homozygous and/or hemizygous individual. This missense change has been observed in individual(s) with autism spectrum disorder (PMID: 33023636). ClinVar contains an entry for this variant (Variation ID: 1678805). An algorithm developed to predict the effect of missense changes on protein structure and function (PolyPhen-2) suggests that this variant is likely to be tolerated. In summary, the available evidence is currently insufficient to determine the role of this variant in disease. Therefore, it has been classified as a Variant of Uncertain Significance.

GeneDx
Classification: Likely benign. Last evaluated: 2019-02-21. Review status: criteria provided, single submitter. Criteria: GeneDx Variant Classification Process June 2021. Collection method: clinical testing. Allele origin: germline. Affected: yes.
Comment: See Variant Classification Assertion Criteria.

Literature cited by the submitters: PubMed 33023636 (cited by Ambry Genetics and Labcorp Genetics (formerly Invitae), Labcorp).